The following is an entry in ClinVar:

ClinVar aggregate classification (germline): Benign. Review status: criteria provided, multiple submitters, no conflicts (2 of 4 stars). 2 submissions from 2 submitters: Benign (2). Last evaluated 2018-06-14.

Allele frequency attached by ClinVar (database versions not stated): gnomAD 0.04650 and 0.04957; TOPMed 0.04732; 1000 Genomes Project 30x 0.07495; 1000 Genomes Project 0.07568.
gnomAD v4.1: 89,894 of 1,576,856 alleles (5.7%); highest among the groups gnomAD compares: East Asian, 14%; 2,966 homozygotes.

Submissions (2):

GeneDx
Classification: Benign. Last evaluated: 2018-06-14. Review status: criteria provided, single submitter. Criteria: GeneDx Variant Classification (06012015). Collection method: clinical testing. Allele origin: germline. Affected: yes.
Comment: This variant is considered likely benign or benign based on one or more of the following criteria: it is a conservative change, it occurs at a poorly conserved position in the protein, it is predicted to be benign by multiple in silico algorithms, and/or has population frequency not consistent with disease.

Breakthrough Genomics
Classification: Benign. Review status: criteria provided, single submitter. Criteria: ACMG Guidelines, 2015. Collection method: not provided. Allele origin: germline. Inheritance: Autosomal dominant inheritance. Affected: yes.

NM_000138.5(FBN1):c.1960+76G>A

Gene: FBN1 (fibrillin 1; minus strand). Cytogenetic location: 15q21.1.
Variant type: single nucleotide variant.
Coding change: c.1960+76G>A on transcript NM_000138.5 (MANE Select); 76 bases into the intron after coding-DNA position 1960, G replaced by A.
Molecular consequence: intron variant.
Genome position (GRCh38, 1-based): chr15:48,504,949, C>T on the plus strand (G>A on the coding strand, the complement: FBN1 is on the minus strand). VCF-style: chr15-48504949-C-T. GRCh37 (hg19) VCF-style: chr15-48797146-C-T.
Identifiers: ClinVar variation 674484 (VCV000674484.2), dbSNP rs17361868, ClinGen allele CA269549806.